The following is an entry in ClinVar:

ClinVar aggregate classification (germline): Pathogenic (1 of 4 stars; one submission).

Conditions:
Osteogenesis imperfecta type I (OI1). Also called: Lobstein disease; Classic Non-deforming Osteogenesis Imperfecta with Blue Sclerae; Osteogenesis imperfecta type 1; Lobstein's Disease; OI, TYPE I; OSTEOGENESIS IMPERFECTA TARDA. Identifiers: Orphanet 216796, Orphanet 666, MedGen C0023931, MONDO:0008146, OMIM 166200. Disease mechanism: loss of function.

Submissions (2):

Labcorp Genetics (formerly Invitae), Labcorp
Classification: Pathogenic for Osteogenesis imperfecta type I. Last evaluated: 2018-01-28. Review status: criteria provided, single submitter. Criteria: Invitae Variant Classification Sherloc (09022015). Collection method: clinical testing. Allele origin: germline.
Comment: This variant is not present in population databases (ExAC no frequency). For these reasons, this variant has been classified as Pathogenic. Donor and acceptor splice site variants typically lead to a loss of protein function (PMID: 16199547), and loss-of-function variants in COL1A1 are known to be pathogenic (PMID: 7942841, 9295084, 9443882). This variant has been reported in individuals and in a family affected with osteogenesis imperfecta (PMID: 23054245, Invitae). This sequence change affects a donor splice site in intron 31 of the COL1A1 gene. It is expected to disrupt RNA splicing and likely results in an absent or disrupted protein product.

Dr. Peter K. Rogan Lab, Western University
No classification provided (evidence only). Condition: Thyroid cancer, nonmedullary, 1. Review status: no classification provided. Collection method: in vitro. Allele origin: not applicable. Functional consequence: retained intron. Not counted in ClinVar's aggregate classification.

Literature cited by the submitters: PubMed 16199547 (cited by Labcorp Genetics (formerly Invitae), Labcorp); PubMed 7942841 (cited by Labcorp Genetics (formerly Invitae), Labcorp); PubMed 9295084 (cited by Labcorp Genetics (formerly Invitae), Labcorp); PubMed 9443882 (cited by Labcorp Genetics (formerly Invitae), Labcorp); PubMed 23054245 (cited by Labcorp Genetics (formerly Invitae), Labcorp).

NM_000088.4(COL1A1):c.2127+2T>A

Gene: COL1A1 (collagen type I alpha 1 chain; minus strand). Cytogenetic location: 17q21.33.
Variant type: single nucleotide variant.
Coding change: c.2127+2T>A on transcript NM_000088.4 (MANE Select); the canonical splice donor site of the intron after coding-DNA position 2127, T replaced by A.
Molecular consequence: splice donor variant.
Genome position (GRCh38, 1-based): chr17:50,191,786, A>T on the plus strand (T>A on the coding strand, the complement: COL1A1 is on the minus strand). VCF-style: chr17-50191786-A-T. GRCh37 (hg19) VCF-style: chr17-48269147-A-T.
Identifiers: ClinVar variation 574055 (VCV000574055.10), dbSNP rs72651644, ClinGen allele CA400211539.